The following is an entry in ClinVar:

NM_006949.4(STXBP2):c.864G>A (p.Trp288Ter)

Gene: STXBP2 (syntaxin binding protein 2; plus strand). Cytogenetic location: 19p13.2.
Variant type: single nucleotide variant.
Coding change: c.864G>A on transcript NM_006949.4 (MANE Select); coding-DNA position 864, G replaced by A.
Protein change: p.Trp288Ter; replaces tryptophan 288 with a stop codon.
Molecular consequence: nonsense. On other transcripts: non-coding transcript variant (1).
Genome position (GRCh38, 1-based): chr19:7,642,498, G>A. VCF-style: chr19-7642498-G-A. GRCh37 (hg19) VCF-style: chr19-7707384-G-A.
Other names: c.855G>A, p.Trp285Ter (NM_001127396.3); c.897G>A, p.Trp299Ter (NM_001272034.2); c.768G>A, p.Trp256Ter (NM_001414484.1); short protein forms W256*, W285*, W288*, W299*.
Identifiers: ClinVar variation 1988382 (VCV001988382.4), dbSNP rs2031932785, ClinGen allele CA403159800.
Genomic context (GRCh38, chr19:7,642,498, plus strand): 5'-CACCGGGCTGAGCGAGGCGCGGGAGAAGGCCGTCTTGCTGGACGAGGACGATGACTTGTG[G>A]GTGGAGCTTCGCCACATGCATATCGCAGATGTGTCCAAGTGCGTGCACACGGGGACCGGA-3'

ClinVar aggregate classification (germline): Pathogenic (1 of 4 stars; one submission).

Conditions:
Familial hemophagocytic lymphohistiocytosis 5. Also called: STXBP2-Related Familial Hemophagocytic Lymphohistiocytosis (STXBP2-fHLH). Identifiers: Orphanet 540, MedGen C2751293, MONDO:0013135, OMIM 613101.

Allele frequency attached by ClinVar (database versions not stated): gnomAD exomes below 0.00001; TOPMed below 0.00001.
gnomAD v4.1: 3 of 1,614,062 alleles (0.00019%); highest among the groups gnomAD compares: Non-Finnish European, 0.00025%; no homozygotes.

Submission:

Labcorp Genetics (formerly Invitae), Labcorp
Classification: Pathogenic for Familial hemophagocytic lymphohistiocytosis 5. Last evaluated: 2024-02-27. Review status: criteria provided, single submitter. Criteria: Invitae Variant Classification Sherloc (09022015). Collection method: clinical testing. Allele origin: germline.
Comment: This sequence change creates a premature translational stop signal (p.Trp288*) in the STXBP2 gene. It is expected to result in an absent or disrupted protein product. Loss-of-function variants in STXBP2 are known to be pathogenic (PMID: 19804848, 22451424). This variant is not present in population databases (gnomAD no frequency). This variant has not been reported in the literature in individuals affected with STXBP2-related conditions. ClinVar contains an entry for this variant (Variation ID: 1988382). Algorithms developed to predict the effect of sequence changes on RNA splicing suggest that this variant may disrupt the consensus splice site. For these reasons, this variant has been classified as Pathogenic.

Literature cited by the submitters: PubMed 19804848; PubMed 22451424.